The following is an entry in ClinVar:

NM_004525.3(LRP2):c.891T>C (p.Asp297=)

Gene: LRP2 (LDL receptor related protein 2; minus strand). Cytogenetic location: 2q31.1.
Variant type: single nucleotide variant.
Coding change: c.891T>C on transcript NM_004525.3 (MANE Select); coding-DNA position 891, T replaced by C.
Protein change: p.Asp297=; no amino-acid change (aspartic acid 297 retained).
Molecular consequence: synonymous variant.
Genome position (GRCh38, 1-based): chr2:169,290,876, A>G on the plus strand (T>C on the coding strand, the complement: LRP2 is on the minus strand). VCF-style: chr2-169290876-A-G. GRCh37 (hg19) VCF-style: chr2-170147386-A-G.
Identifiers: ClinVar variation 748817 (VCV000748817.34), dbSNP rs112343092, ClinGen allele CA1955727.

ClinVar aggregate classification (germline): Benign/Likely benign. Review status: criteria provided, multiple submitters, no conflicts (2 of 4 stars). 4 submissions from 4 submitters: Benign (1); Likely benign (3). Last evaluated 2026-02-01.

Conditions:
Donnai-Barrow syndrome. Also called: FACIOOCULOACOUSTICORENAL SYNDROME; DBS/FOAR SYNDROME. Identifiers: Orphanet 2143, MedGen C1857277, MONDO:0009104, OMIM 222448.

Allele frequency attached by ClinVar (database versions not stated): gnomAD exomes 0.00018; ExAC 0.00019; TOPMed 0.00057; gnomAD 0.00062; ESP Exome Variant Server 0.00100; 1000 Genomes Project 0.00120; 1000 Genomes Project 30x 0.00125.
gnomAD v4.1: 258 of 1,614,142 alleles (0.016%); highest among the groups gnomAD compares: African/African-American, 0.25%; 1 homozygote.

Submissions (4):

Labcorp Genetics (formerly Invitae), Labcorp
Classification: Benign. Last evaluated: 2026-02-01. Review status: criteria provided, single submitter. Criteria: Invitae Variant Classification Sherloc (09022015). Collection method: clinical testing. Allele origin: germline.

Blueprint Genetics
Classification: Likely benign. Last evaluated: 2024-10-17. Review status: criteria provided, single submitter. Criteria: ACMG Guidelines, 2015. Collection method: clinical testing. Allele origin: germline.

CeGaT Center for Human Genetics Tuebingen
Classification: Likely benign. Last evaluated: 2022-08-01. Review status: criteria provided, single submitter. Criteria: CeGaT Center For Human Genetics Tuebingen Variant Classification Criteria Version 2. Collection method: clinical testing. Allele origin: germline. Affected: yes. Observed: 1 variant allele.
Comment: LRP2: BP4, BP7

Fulgent Genetics
Classification: Likely benign for Donnai-Barrow syndrome. Last evaluated: 2021-11-12. Review status: criteria provided, single submitter. Criteria: ACMG Guidelines, 2015. Collection method: clinical testing. Allele origin: unknown.